The following is an entry in ClinVar:

NM_020401.4(NUP107):c.1712_1713del (p.Glu571fs)

Gene: NUP107 (nucleoporin 107; plus strand). Cytogenetic location: 12q15.
Variant type: Deletion.
Coding change: c.1712_1713del on transcript NM_020401.4 (MANE Select); coding-DNA positions 1712 to 1713, 2 bases deleted (AA; older notation c.1712_1713delAA).
Protein change: p.Glu571fs; shifts the reading frame from glutamic acid 571.
Molecular consequence: frameshift variant.
Genome position (GRCh38, 1-based): chr12:68,727,367-68,727,368, AA deleted. VCF-style (leftmost placement, unchanged base first): chr12-68727366-GAA-G. GRCh37 (hg19) VCF-style: chr12-69121146-GAA-G.
Other names: c.1625_1626del, p.Glu542fs (NM_001330192.2); short protein forms E542fs, E571fs.
Identifiers: ClinVar variation 4850633 (VCV004850633.1).

ClinVar aggregate classification (germline): Likely pathogenic (1 of 4 stars; one submission).

Conditions:
Ovarian dysgenesis 6. Identifiers: MedGen C4748084, MONDO:0054850, OMIM 618078.
Galloway-Mowat syndrome 7. Identifiers: MedGen C5193044, MONDO:0032692, OMIM 618348.
Analbuminemia (ANALBA). Also called: Analbuminemia, American Indian type; Analbuminemia, Vancouver. Identifiers: Orphanet 86816, MedGen C0878666, OMIM 616000.

Submission:

First Genomix Gene Laboratory, Genetic Diagnostics Department
Classification: Likely pathogenic for Ovarian dysgenesis 6; Galloway-Mowat syndrome 7; Analbuminemia. Last evaluated: 2025-12-31. Review status: criteria provided, single submitter. Criteria: ACMG Guidelines, 2015. Collection method: clinical testing. Allele origin: germline. Inheritance: Autosomal recessive inheritance. Affected: no. Observed: 1 variant allele.